The following is an entry in ClinVar:

NM_001365536.1(SCN9A):c.4646G>A (p.Trp1549Ter)

Genes: SCN1A-AS1 (SCN1A and SCN9A antisense RNA 1; plus strand), SCN9A (sodium voltage-gated channel alpha subunit 9; minus strand). Cytogenetic location: 2q24.3.
Variant type: single nucleotide variant.
Coding change: c.4646G>A on transcript NM_001365536.1 (MANE Select); coding-DNA position 4646, G replaced by A.
Protein change: p.Trp1549Ter; replaces tryptophan 1549 with a stop codon.
Molecular consequence: nonsense.
Genome position (GRCh38, 1-based): chr2:166,204,083, C>T on the plus strand (G>A on the coding strand, the complement: SCN9A is on the minus strand). VCF-style: chr2-166204083-C-T. GRCh37 (hg19) VCF-style: chr2-167060593-C-T.
Other names: p.Trp1538*; c.4613G>A, p.Trp1538Ter (NM_002977.4); short protein forms W1549*, W1538*.
Identifiers: ClinVar variation 4540690 (VCV004540690.1).

ClinVar aggregate classification (germline): Likely pathogenic (1 of 4 stars; one submission).

gnomAD v4.1: 5 of 1,612,516 alleles (0.00031%); highest among the groups gnomAD compares: Non-Finnish European, 0.00042%; no homozygotes.

Submission:

Mayo Clinic Laboratories, Mayo Clinic
Classification: Likely pathogenic. Last evaluated: 2025-06-26. Review status: criteria provided, single submitter. Criteria: ACMG Guidelines, 2015. Collection method: clinical testing. Allele origin: germline. Observed: 1 variant allele.
Comment: PM2_supporting, PVS1